The following is an entry in ClinVar:

ClinVar aggregate classification (germline): Uncertain significance. Review status: criteria provided, multiple submitters, no conflicts (2 of 4 stars). 2 submissions from 2 submitters: Uncertain significance (2). Last evaluated 2025-11-03.

Allele frequency attached by ClinVar (database versions not stated): ExAC 0.00005; gnomAD exomes 0.00006 and 0.00020; gnomAD 0.00014 and 0.00015; TOPMed 0.00014.
gnomAD v4.1: 323 of 1,613,518 alleles (0.02%); highest among the groups gnomAD compares: Admixed American, 0.028%; no homozygotes.

Submissions (2):

Labcorp Genetics (formerly Invitae), Labcorp
Classification: Uncertain significance. Last evaluated: 2025-11-03. Review status: criteria provided, single submitter. Criteria: Invitae Variant Classification Sherloc (09022015). Collection method: clinical testing. Allele origin: germline.
Comment: This sequence change affects an acceptor splice site in intron 5 of the SPP2 gene. It is expected to disrupt RNA splicing. Variants that disrupt the donor or acceptor splice site typically lead to a loss of protein function (PMID: 16199547), however the current clinical and genetic evidence is not sufficient to establish whether loss-of-function variants in SPP2 cause disease. This variant is present in population databases (rs200330050, gnomAD 0.02%). This variant has not been reported in the literature in individuals affected with SPP2-related conditions. ClinVar contains an entry for this variant (Variation ID: 858754). Algorithms developed to predict the effect of sequence changes on RNA splicing suggest that this variant may disrupt the consensus splice site. In summary, the available evidence is currently insufficient to determine the role of this variant in disease. Therefore, it has been classified as a Variant of Uncertain Significance.

Blueprint Genetics
Classification: Uncertain significance. Last evaluated: 2024-01-10. Review status: criteria provided, single submitter. Criteria: ACMG Guidelines, 2015. Collection method: clinical testing. Allele origin: germline.

Literature cited by the submitters: PubMed 16199547 (cited by Labcorp Genetics (formerly Invitae), Labcorp).

NM_006944.3(SPP2):c.500-1G>T

Gene: SPP2 (secreted phosphoprotein 2; plus strand). Cytogenetic location: 2q37.1.
Variant type: single nucleotide variant.
Coding change: c.500-1G>T on transcript NM_006944.3 (MANE Select); the canonical splice acceptor site of the intron before coding-DNA position 500, G replaced by T.
Molecular consequence: splice acceptor variant.
Genome position (GRCh38, 1-based): chr2:234,067,223, G>T. VCF-style: chr2-234067223-G-T. GRCh37 (hg19) VCF-style: chr2-234975867-G-T.
Identifiers: ClinVar variation 858754 (VCV000858754.9), dbSNP rs200330050, ClinGen allele CA2183242.